The following is an entry in ClinVar:

ClinVar aggregate classification (germline): Pathogenic (1 of 4 stars; one submission).

Submission:

Labcorp Genetics (formerly Invitae), Labcorp
Classification: Pathogenic. Last evaluated: 2023-06-17. Review status: criteria provided, single submitter. Criteria: Invitae Variant Classification Sherloc (09022015). Collection method: clinical testing. Allele origin: germline.
Comment: For these reasons, this variant has been classified as Pathogenic. This variant has not been reported in the literature in individuals affected with LRPPRC-related conditions. This variant is not present in population databases (gnomAD no frequency). This sequence change creates a premature translational stop signal (p.Val381Aspfs*14) in the LRPPRC gene. It is expected to result in an absent or disrupted protein product. Loss-of-function variants in LRPPRC are known to be pathogenic (PMID: 26510951).

Literature cited by the submitters: PubMed 26510951.

NM_133259.4(LRPPRC):c.1142_1143del (p.Val381fs)

Gene: LRPPRC (leucine rich pentatricopeptide repeat containing; minus strand). Cytogenetic location: 2p21.
Variant type: Microsatellite.
Coding change: c.1142_1143del on transcript NM_133259.4 (MANE Select); coding-DNA positions 1142 to 1143, 2 bases deleted (TG; older notation c.1142_1143delTG).
Protein change: p.Val381fs; shifts the reading frame from valine 381.
Molecular consequence: frameshift variant.
Genome position (GRCh38, 1-based): chr2:43,974,162-43,974,163, CA deleted on the plus strand (TG on the coding strand, the reverse complement: LRPPRC is on the minus strand); deleting any 2 consecutive bases within chr2:43,974,162-43,974,167 gives the same sequence; the c. name uses the placement nearest the transcript's 3' end. VCF-style (leftmost placement, unchanged base first): chr2-43974161-TCA-T. GRCh37 (hg19) VCF-style: chr2-44201300-TCA-T.
Other names: short protein forms V381fs.
Identifiers: ClinVar variation 2718282 (VCV002718282.3), dbSNP rs1673945046, ClinGen allele CA1030000553.
Genomic context (GRCh38, chr2:43,974,161, plus strand): 5'-TATTTCACTGCCAATTACATTGTCTACAAAGTAAAAGTGGACAGAATACCGTATTCATAG[TCA>T]CACAGTGTTGTAAAAAGAAACTGCCAAAGACACTTGGGCCATCTTCCTTTGATACGGGGC-3'